The following is an entry in ClinVar:

NM_012243.3(SLC35A3):c.325delinsCATATATGTAT (p.Asp109fs)

Gene: SLC35A3 (solute carrier family 35 member A3; plus strand). Cytogenetic location: 1p21.2.
Variant type: Indel.
Coding change: c.325delinsCATATATGTAT on transcript NM_012243.3 (MANE Select); coding-DNA position 325, G replaced by CATATATGTAT.
Protein change: p.Asp109fs; shifts the reading frame from aspartic acid 109.
Molecular consequence: frameshift variant.
Genome position (GRCh38, 1-based): chr1:99,999,398, G replaced by CATATATGTAT. VCF-style: chr1-99999398-G-CATATATGTAT. GRCh37 (hg19) VCF-style: chr1-100464954-G-CATATATGTAT.
Other names: c.325delinsCATATATGTAT, p.Asp109fs (NM_001271684.2, NM_001437713.1, NM_001437717.1 and 3 more transcripts); c.451delinsCATATATGTAT, p.Asp151fs (NM_001271685.2); short protein forms D109fs, D151fs.
Identifiers: ClinVar variation 5010610 (VCV005010610.1).
Genomic context (GRCh38, chr1:99,999,398, plus strand): 5'-ATTCCATCAGGGATCTATACTCTTCAGAATAATTTACTGTATGTGGCACTATCAAATCTA[G>CATATATGTAT]ATGCAGCTACTTATCAGGTACTTAAAATACATTTCTTTCTTTTTTAAAAAAACTTTTTTC-3'

ClinVar aggregate classification (germline): Pathogenic (1 of 4 stars; one submission).

Conditions:
Autism spectrum disorder - epilepsy - arthrogryposis syndrome (AMRS). Identifiers: Orphanet 370943, MedGen C3809910, MONDO:0014248, OMIM 615553.

Submission:

Myriad Genetics, Inc.
Classification: Pathogenic for Autism spectrum disorder - epilepsy - arthrogryposis syndrome. Last evaluated: 2024-05-14. Review status: criteria provided, single submitter. Criteria: Myriad Autosomal Dominant, Autosomal Recessive and X-Linked Classification Criteria (2023). Collection method: clinical testing. Allele origin: unknown.
Comment: NM_001271685.1(SLC35A3):c.451del1ins11(D151Hfs*28) is expected to be pathogenic in the context of arthrogryposis, impaired intellectual development, and seizures. This variant is predicted to lead to an abnormal or absent protein product due to the creation of a premature termination codon in SLC35A3, a gene where loss-of-function variants are known to be pathogenic. Please note: this variant was assessed in the context of healthy population screening.